The following is an entry in ClinVar:

ClinVar aggregate classification (germline): Likely benign. Review status: criteria provided, multiple submitters, no conflicts (2 of 4 stars). 4 submissions from 4 submitters: Likely benign (2). 2 of the submissions do not count toward it. Last evaluated 2025-12-26.

Conditions:
ACAD9-related disorder. Also called: ACAD9-related condition.
Acyl-CoA dehydrogenase 9 deficiency. Also called: MITOCHONDRIAL COMPLEX I DEFICIENCY, NUCLEAR TYPE 20; Acyl-CoA dehydrogenase family, member 9, deficiency of. Identifiers: Orphanet 99901, MedGen C4747517, MONDO:0012624, OMIM 611126.

Allele frequency attached by ClinVar (database versions not stated): TOPMed below 0.00001; ExAC 0.00003; gnomAD 0.00003 and 0.00004; 1000 Genomes Project 30x 0.00016; 1000 Genomes Project 0.00020.
gnomAD v4.1: 18 of 1,613,572 alleles (0.0011%); highest among the groups gnomAD compares: East Asian, 0.038%; no homozygotes.

Submissions (4):

Labcorp Genetics (formerly Invitae), Labcorp
Classification: Likely benign. Last evaluated: 2025-12-26. Review status: criteria provided, single submitter. Criteria: Invitae Variant Classification Sherloc (09022015). Collection method: clinical testing. Allele origin: germline.

CeGaT Center for Human Genetics Tuebingen
Classification: Likely benign. Last evaluated: 2025-03-01. Review status: criteria provided, single submitter. Criteria: CeGaT Center For Human Genetics Tuebingen Variant Classification Criteria Version 2. Collection method: clinical testing. Allele origin: germline. Affected: yes. Observed: 1 variant allele.
Comment: ACAD9: BP4, BP7

Natera, Inc.
Classification: Likely benign for ACAD9 deficiency. Last evaluated: 2020-02-03. Review status: no assertion criteria provided. Collection method: clinical testing. Allele origin: germline. Not counted in ClinVar's aggregate classification.

PreventionGenetics, part of Exact Sciences
Classification: Likely benign for ACAD9-related condition. Last evaluated: 2019-08-20. Review status: no assertion criteria provided. Collection method: clinical testing. Allele origin: germline. Not counted in ClinVar's aggregate classification.
Comment: This variant is classified as likely benign based on ACMG/AMP sequence variant interpretation guidelines (Richards et al. 2015 PMID: 25741868, with internal and published modifications).

NM_014049.5(ACAD9):c.75G>T (p.Ala25=)

Gene: ACAD9 (acyl-CoA dehydrogenase family member 9; plus strand). Cytogenetic location: 3q21.3.
Variant type: single nucleotide variant.
Coding change: c.75G>T on transcript NM_014049.5 (MANE Select); coding-DNA position 75, G replaced by T.
Protein change: p.Ala25=; no amino-acid change (alanine 25 retained).
Molecular consequence: synonymous variant. On other transcripts: non-coding transcript variant (1).
Genome position (GRCh38, 1-based): chr3:128,879,766, G>T. VCF-style: chr3-128879766-G-T. GRCh37 (hg19) VCF-style: chr3-128598609-G-T.
Other names: c.75G>T (NM_014049.4).
Identifiers: ClinVar variation 1135362 (VCV001135362.18), dbSNP rs564435799, ClinGen allele CA2601014.